The following is an entry in ClinVar:

NM_138370.3(PKDCC):c.499del (p.Ala167fs)

Genes: PKDCC (protein kinase domain containing, cytoplasmic; plus strand), LOC129933566 (ATAC-STARR-seq lymphoblastoid active region 15635; plus strand). Cytogenetic location: 2p21.
Variant type: Deletion.
Coding change: c.499del on transcript NM_138370.3 (MANE Select); coding-DNA position 499, one base deleted (G; older notation c.499delG).
Protein change: p.Ala167fs; shifts the reading frame from alanine 167.
Molecular consequence: frameshift variant.
Genome position (GRCh38, 1-based): chr2:42,048,698, G deleted; the last of 2 consecutive G bases (chr2:42,048,697-42,048,698); deleting either gives the same sequence. VCF-style (leftmost placement, unchanged base first): chr2-42048696-AG-A. GRCh37 (hg19) VCF-style: chr2-42275836-AG-A.
Other names: short protein forms A167fs.
Identifiers: ClinVar variation 2861261 (VCV002861261.3), dbSNP rs2465741354, ClinGen allele CA2739274332.

ClinVar aggregate classification (germline): Pathogenic (1 of 4 stars; one submission).

Submission:

Labcorp Genetics (formerly Invitae), Labcorp
Classification: Pathogenic. Last evaluated: 2023-05-01. Review status: criteria provided, single submitter. Criteria: Invitae Variant Classification Sherloc (09022015). Collection method: clinical testing. Allele origin: germline.
Comment: This sequence change creates a premature translational stop signal (p.Ala167Argfs*63) in the PKDCC gene. It is expected to result in an absent or disrupted protein product. Loss-of-function variants in PKDCC are known to be pathogenic (PMID: 19097194, 30478137). For these reasons, this variant has been classified as Pathogenic. This variant has not been reported in the literature in individuals affected with PKDCC-related conditions. This variant is not present in population databases (gnomAD no frequency).

Literature cited by the submitters: PubMed 19097194; PubMed 30478137.